The following is an entry in ClinVar:

NM_000552.5(VWF):c.7059G>C (p.Glu2353Asp)

Gene: VWF (von Willebrand factor; minus strand). Cytogenetic location: 12p13.31.
Variant type: single nucleotide variant.
Coding change: c.7059G>C on transcript NM_000552.5 (MANE Select); coding-DNA position 7059, G replaced by C.
Protein change: p.Glu2353Asp; replaces glutamic acid 2353 with aspartic acid.
Molecular consequence: missense variant.
Genome position (GRCh38, 1-based): chr12:5,983,172, C>G on the plus strand (G>C on the coding strand, the complement: VWF is on the minus strand). VCF-style: chr12-5983172-C-G. GRCh37 (hg19) VCF-style: chr12-6092338-C-G.
Other names: short protein forms E2353D.
Identifiers: ClinVar variation 993253 (VCV000993253.14), dbSNP rs112319661, ClinGen allele CA6401794.

ClinVar aggregate classification (germline): Conflicting classifications of pathogenicity. Review status: criteria provided, conflicting classifications (1 of 4 stars). 6 submissions from 6 submitters: Uncertain significance (4); Likely benign (1). 1 of the submissions does not count toward it. Last evaluated 2025-05-05.

Conditions:
VWF-related disorder. Also called: VWF-related condition; VWF-related disorders.

Allele frequency attached by ClinVar (database versions not stated): gnomAD 0.00175 and 0.00195; 1000 Genomes Project 0.00200; ESP Exome Variant Server 0.00200; gnomAD exomes 0.00017 and 0.00048; ExAC 0.00070; TOPMed 0.00224; 1000 Genomes Project 30x 0.00156.
gnomAD v4.1: 541 of 1,614,032 alleles (0.034%); highest among the groups gnomAD compares: African/African-American, 0.61%; 2 homozygotes.

Submissions (6):

Quest Diagnostics Nichols Institute San Juan Capistrano
Classification: Uncertain significance. Last evaluated: 2025-05-05. Review status: criteria provided, single submitter. Criteria: Quest Diagnostics criteria. Collection method: clinical testing. Allele origin: unknown.
Comment: The VWF c.7059G>C (p.Glu2353Asp) variant has been reported in the published literature in an individual affected with an undetermined type of von Willebrand disease (vWD) who also carried two other variants (PMID: 26986123 (2016)). The frequency of this variant in the general population (Genome Aggregation Database) is uninformative in the assessment of its pathogenicity. Analysis of this variant using bioinformatics tools for the prediction of the effect of amino acid changes on protein structure and function yielded predictions that this variant is benign. Based on the available information, we are unable to determine the clinical significance of this variant.

GeneDx
Classification: Uncertain significance. Last evaluated: 2024-11-06. Review status: criteria provided, single submitter. Criteria: GeneDx Variant Classification Process June 2021. Collection method: clinical testing. Allele origin: germline. Affected: yes.
Comment: Reported in a proband with von Willebrand disease who also harbored two other variants in the VWF gene, but it is not known whether the variants occurred on the same (in cis) or on different (in trans) chromosomes (PMID: 26986123); In silico analysis supports that this missense variant does not alter protein structure/function; This variant is associated with the following publications: (PMID: 26986123)

Blueprint Genetics
Classification: Uncertain significance. Last evaluated: 2024-10-16. Review status: criteria provided, single submitter. Criteria: ACMG Guidelines, 2015. Collection method: clinical testing. Allele origin: germline.

ARUP Laboratories, Molecular Genetics and Genomics, ARUP Laboratories
Classification: Uncertain significance. Last evaluated: 2024-10-02. Review status: criteria provided, single submitter. Criteria: ARUP Molecular Germline Variant Investigation Process 2024. Collection method: clinical testing. Allele origin: germline.
Comment: The VWF c.7059G>C; p.Glu2353Asp variant (rs112319661, ClinVar Variation ID: 993253) is reported rarely in individuals with von Willebrand disease (Veyradier 2016). This variant is found predominantly in the African/African-American population with an allele frequency of 0.6% (151/24902 alleles) in the Genome Aggregation Database (v2.1.1). Additionally, another variant at this codon (c.7057G>A, p.Glu2353Lys) has also been reported rarely in individuals with coagulation disorders (Stefanucci 2023, Vangenechten 2019). Computational analyses predict that this variant is neutral (REVEL: 0.041). Due to limited information, the clinical significance of this variant is uncertain at this time. References: Stefanucci L et al. The effects of pathogenic and likely pathogenic variants for inherited hemostasis disorders in 140?214 UK Biobank participants. Blood. 2023 Dec 14. PMID: 37647632. Vangenechten I et al. Analysis of von Willebrand Disease in the South Moravian Population (Czech Republic): Results from the BRNO-VWD Study. Thromb Haemost. 2019 Apr. PMID: 30722078. Veyradier A et al. A Laboratory Phenotype/Genotype Correlation of 1167 French Patients From 670 Families With von Willebrand Disease: A New Epidemiologic Picture. Medicine (Baltimore). 2016 Mar. PMID: 26986123.

Women's Health and Genetics/Laboratory Corporation of America, LabCorp
Classification: Likely benign. Last evaluated: 2022-12-13. Review status: criteria provided, single submitter. Criteria: LabCorp Variant Classification Summary - May 2015. Collection method: clinical testing. Allele origin: germline.
Comment: Variant summary: VWF c.7059G>C (p.Glu2353Asp) results in a conservative amino acid change in the encoded protein sequence. Three of four in-silico tools predict a benign effect of the variant on protein function. The variant allele was found at a frequency of 0.00048 in 250270 control chromosomes, predominantly at a frequency of 0.0067 within the African or African-American subpopulation in the gnomAD database (v2 exomes dataset), suggesting that the variant might be benign. The variant, c.7059G>C, has been reported in the literature in an individual affected with Von Willebrand Disease, however this patient also carried other (likely) pathogenic variants which could explain the phenotype (Veyradier_2016). To our knowledge, no experimental evidence demonstrating an impact on protein function has been reported. Two clinical diagnostic laboratories have submitted clinical-significance assessments for this variant to ClinVar after 2014, and classified the variant as uncertain significance. Based on the evidence outlined above, the variant was classified as likely benign.

PreventionGenetics, part of Exact Sciences
Classification: Likely benign for VWF-related condition. Last evaluated: 2019-12-04. Review status: no assertion criteria provided. Collection method: clinical testing. Allele origin: germline. Not counted in ClinVar's aggregate classification.
Comment: This variant is classified as likely benign based on ACMG/AMP sequence variant interpretation guidelines (Richards et al. 2015 PMID: 25741868, with internal and published modifications).

Literature cited by the submitters: PubMed 23216583 (cited by Quest Diagnostics Nichols Institute San Juan Capistrano and Women's Health and Genetics/Laboratory Corporation of America, LabCorp); PubMed 26986123 (cited by Quest Diagnostics Nichols Institute San Juan Capistrano and Women's Health and Genetics/Laboratory Corporation of America, LabCorp); PubMed 26420797 (cited by Quest Diagnostics Nichols Institute San Juan Capistrano); PubMed 24482836 (cited by Quest Diagnostics Nichols Institute San Juan Capistrano); PubMed 23690449 (cited by Quest Diagnostics Nichols Institute San Juan Capistrano).